The following is an entry in ClinVar:

ClinVar aggregate classification (germline): Pathogenic (1 of 4 stars; one submission).

Submission:

CeGaT Center for Human Genetics Tuebingen
Classification: Pathogenic. Last evaluated: 2024-11-01. Review status: criteria provided, single submitter. Criteria: CeGaT Center For Human Genetics Tuebingen Variant Classification Criteria Version 2. Collection method: clinical testing. Allele origin: germline. Affected: yes. Observed: 1 variant allele.
Comment: ARID1B: PVS1, PM2

NM_001374828.1(ARID1B):c.4822_4835dup (p.Tyr1613fs)

Gene: ARID1B (AT-rich interaction domain 1B; plus strand). Cytogenetic location: 6q25.3.
Variant type: Duplication.
Coding change: c.4822_4835dup on transcript NM_001374828.1 (MANE Select); coding-DNA positions 4822 to 4835, 14 bases duplicated (ACACAGGCGCCCCC).
Protein change: p.Tyr1613fs; shifts the reading frame from tyrosine 1613.
Molecular consequence: frameshift variant.
Genome position (GRCh38, 1-based): chr6:157,201,047-157,201,060, ACACAGGCGCCCCC duplicated. VCF-style (leftmost placement, unchanged base first): chr6-157201046-T-TACACAGGCGCCCCC. GRCh37 (hg19) VCF-style: chr6-157522180-T-TACACAGGCGCCCCC.
Other names: c.2323_2336dup, p.Tyr780fs (NM_001363725.2); c.4702_4715dup, p.Tyr1573fs (NM_001371656.1, NM_001374820.1); c.4663_4676dup, p.Tyr1560fs (NM_017519.3); short protein forms Y1560fs, Y1573fs, Y1613fs, Y780fs.
Identifiers: ClinVar variation 3390175 (VCV003390175.14).
Genomic context (GRCh38, chr6:157,201,046, plus strand): 5'-GTGGGCAGCACGCAATGATATGCCTTATCCCTACCAGAACAGGCAGGGCCCTGGCGGCCC[T>TACACAGGCGCCCCC]ACACAGGCGCCCCCTTACCCAGGCATGAACCGCACAGACGATATGATGGTACCCGATCAG-3'